The following is an entry in ClinVar:

NM_000083.3(CLCN1):c.1355C>T (p.Pro452Leu)

Gene: CLCN1 (chloride voltage-gated channel 1; plus strand). Cytogenetic location: 7q34.
Variant type: single nucleotide variant.
Coding change: c.1355C>T on transcript NM_000083.3 (MANE Select); coding-DNA position 1355, C replaced by T.
Protein change: p.Pro452Leu; replaces proline 452 with leucine.
Molecular consequence: missense variant.
Genome position (GRCh38, 1-based): chr7:143,332,827, C>T. VCF-style: chr7-143332827-C-T. GRCh37 (hg19) VCF-style: chr7-143029920-C-T.
Other names: c.1355C>T (NM_000083.2); short protein forms P452L.
Identifiers: ClinVar variation 3602725 (VCV003602725.3).

ClinVar aggregate classification (germline): Conflicting classifications of pathogenicity. Review status: criteria provided, conflicting classifications (1 of 4 stars). 3 submissions from 3 submitters: Pathogenic (1); Likely pathogenic (1); Uncertain significance (1). Last evaluated 2025-03-13.

Conditions:
Congenital myotonia, autosomal recessive form. Also called: BECKER DISEASE; Becker Generalized Myotonia; myotonia congenita, autosomal recessive. Identifiers: Orphanet 614, MedGen C0751360, MONDO:0009715, OMIM 255700.

Submissions (3):

GeneDx
Classification: Uncertain significance. Last evaluated: 2025-03-13. Review status: criteria provided, single submitter. Criteria: GeneDx Variant Classification Process June 2021. Collection method: clinical testing. Allele origin: germline. Affected: yes.
Comment: Not observed at significant frequency in large population cohorts (gnomAD); In silico analysis supports that this missense variant has a deleterious effect on protein structure/function; This variant is associated with the following publications: (PMID: 38374194)

Palindrome, Gene Kavoshgaran Aria
Classification: Pathogenic for Congenital myotonia, autosomal recessive form. Last evaluated: 2025-01-03. Review status: criteria provided, single submitter. Criteria: ACMG Guidelines, 2015. Collection method: clinical testing. Allele origin: germline. Inheritance: Autosomal recessive inheritance. Affected: yes. Observed: 5 homozygotes. Clinical features observed: Myotonia (HP:0002486), Muscle weakness (HP:0001324), Gait disturbance (HP:0002355), Myopathy (HP:0003198).

Kariminejad - Najmabadi Pathology & Genetics Center
Classification: Likely pathogenic for Congenital myotonia, autosomal recessive form. Review status: criteria provided, single submitter. Criteria: ACMG Guidelines, 2015. Collection method: clinical testing. Allele origin: germline. Affected: no.